The following is an entry in ClinVar:

NM_016169.4(SUFU):c.509G>A (p.Ser170Asn)

Gene: SUFU (SUFU negative regulator of hedgehog signaling; plus strand). Cytogenetic location: 10q24.32.
Variant type: single nucleotide variant.
Coding change: c.509G>A on transcript NM_016169.4 (MANE Select); coding-DNA position 509, G replaced by A.
Protein change: p.Ser170Asn; replaces serine 170 with asparagine.
Molecular consequence: missense variant.
Genome position (GRCh38, 1-based): chr10:102,592,636, G>A. VCF-style: chr10-102592636-G-A. GRCh37 (hg19) VCF-style: chr10-104352393-G-A.
Other names: c.509G>A, p.Ser170Asn (NM_001178133.2); short protein forms S170N.
Identifiers: ClinVar variation 1745322 (VCV001745322.4), dbSNP rs1357846729, ClinGen allele CA377908290.

ClinVar aggregate classification (germline): Uncertain significance. Review status: criteria provided, multiple submitters, no conflicts (2 of 4 stars). 2 submissions from 2 submitters: Uncertain significance (2). Last evaluated 2025-06-23.

Conditions:
Hereditary cancer-predisposing syndrome. Also called: Hereditary Cancer Syndrome; Neoplastic Syndromes, Hereditary; Tumor predisposition; Hereditary neoplastic syndrome. Identifiers: Orphanet 140162, MedGen C0027672, MeSH D009386, MONDO:0015356.

gnomAD v4.1: 1 of 1,614,184 alleles (0.000062%); highest among the groups gnomAD compares: Non-Finnish European, 0.000085%; no homozygotes.

Submissions (2):

Ambry Genetics
Classification: Uncertain significance for Hereditary cancer-predisposing syndrome. Last evaluated: 2025-06-23. Review status: criteria provided, single submitter. Criteria: Ambry Variant Classification Scheme 2023. Collection method: clinical testing. Allele origin: germline.
Comment: The p.S170N variant (also known as c.509G>A), located in coding exon 4 of the SUFU gene, results from a G to A substitution at nucleotide position 509. The serine at codon 170 is replaced by asparagine, an amino acid with highly similar properties. This amino acid position is highly conserved in available vertebrate species. In addition, the in silico prediction for this alteration is inconclusive. Based on the available evidence, the clinical significance of this variant remains unclear.

Quest Diagnostics Nichols Institute San Juan Capistrano
Classification: Uncertain significance. Last evaluated: 2024-04-29. Review status: criteria provided, single submitter. Criteria: Quest Diagnostics criteria. Collection method: clinical testing. Allele origin: unknown.
Comment: The SUFU c.509G>A (p.Ser170Asn) variant has not been reported in individuals with SUFU-related conditions in the published literature. It also has not been reported in large, multi-ethnic general populations (Genome Aggregation Database). Analysis of this variant using bioinformatics tools for the prediction of the effect of amino acid changes on protein structure and function yielded predictions that this variant is damaging. Based on the available information, we are unable to determine the clinical significance of this variant.